The following is an entry in ClinVar:

ClinVar aggregate classification (germline): Uncertain significance. Review status: criteria provided, multiple submitters, no conflicts (2 of 4 stars). 3 submissions from 3 submitters: Uncertain significance (3). Last evaluated 2026-01-04.

Conditions:
Epilepsy, familial focal, with variable foci 3 (FFEVF3). Identifiers: MedGen C4310708, MONDO:0014925, OMIM 617118.
Focal epilepsy. Also called: partial epilepsy. Identifiers: MedGen C0014547, MeSH D004828, MONDO:0005384.

Allele frequency attached by ClinVar (database versions not stated): gnomAD exomes below 0.00001 and 0.00001; ExAC 0.00001; TOPMed 0.00002.
gnomAD v4.1: 13 of 1,594,180 alleles (0.00082%); highest among the groups gnomAD compares: Non-Finnish European, 0.00085%; no homozygotes.

Submissions (3):

Labcorp Genetics (formerly Invitae), Labcorp
Classification: Uncertain significance for Epilepsy, familial focal, with variable foci 3. Last evaluated: 2026-01-04. Review status: criteria provided, single submitter. Criteria: Invitae Variant Classification Sherloc (09022015). Collection method: clinical testing. Allele origin: germline.
Comment: This sequence change replaces threonine, which is neutral and polar, with methionine, which is neutral and non-polar, at codon 441 of the NPRL3 protein (p.Thr441Met). The frequency data for this variant in the population databases is considered unreliable, as metrics indicate poor data quality at this position in the gnomAD database. This missense change has been observed in individual(s) with NPRL3-related conditions (PMID: 37902097). ClinVar contains an entry for this variant (Variation ID: 1500544). Invitae Evidence Modeling of protein sequence and biophysical properties (such as structural, functional, and spatial information, amino acid conservation, physicochemical variation, residue mobility, and thermodynamic stability) indicates that this missense variant is not expected to disrupt NPRL3 protein function with a negative predictive value of 80%. In summary, the available evidence is currently insufficient to determine the role of this variant in disease. Therefore, it has been classified as a Variant of Uncertain Significance.

Unidad de Genómica Garrahan, Hospital de Pediatría Garrahan
Classification: Uncertain significance for Focal epilepsy. Last evaluated: 2024-01-11. Review status: criteria provided, single submitter. Criteria: ACMG Guidelines, 2015. Collection method: clinical testing. Allele origin: germline. Affected: yes.

GeneDx
Classification: Uncertain significance. Last evaluated: 2022-06-07. Review status: criteria provided, single submitter. Criteria: GeneDx Variant Classification Process June 2021. Collection method: clinical testing. Allele origin: germline. Affected: yes.
Comment: Not observed at significant frequency in large population cohorts (gnomAD); In silico analysis supports that this missense variant does not alter protein structure/function; Has not been previously published as pathogenic or benign to our knowledge

Literature cited by the submitters: PubMed 37902097 (cited by Labcorp Genetics (formerly Invitae), Labcorp).

NM_001077350.3(NPRL3):c.1322C>T (p.Thr441Met)

Genes: HBA-LCR (alpha-globin locus control region; plus strand), NPRL3 (NPR3 like, GATOR1 complex subunit; minus strand). Cytogenetic location: 16p13.3.
Variant type: single nucleotide variant.
Coding change: c.1322C>T on transcript NM_001077350.3 (MANE Select); coding-DNA position 1322, C replaced by T.
Protein change: p.Thr441Met; replaces threonine 441 with methionine.
Molecular consequence: missense variant.
Genome position (GRCh38, 1-based): chr16:89,742, G>A on the plus strand (C>T on the coding strand, the complement: NPRL3 is on the minus strand). VCF-style: chr16-89742-G-A. GRCh37 (hg19) VCF-style: chr16-139740-G-A.
Other names: c.785C>T, p.Thr262Met (NM_001039476.3); c.1088C>T, p.Thr363Met (NM_001243247.2); c.1247C>T, p.Thr416Met (NM_001243248.2, NM_001243249.2); short protein forms T262M, T441M, T416M, T363M.
Identifiers: ClinVar variation 1500544 (VCV001500544.9), dbSNP rs776673140, ClinGen allele CA7769369.
Genomic context (GRCh38, chr16:89,742, plus strand): 5'-GACTACCACAGCGGTGCCCTGGGGGTCCTACTTGGGGAGCCAAAGCTGAGGGCGTTGGGC[G>A]TGCTGAGGCTGCGACCGCCGACCCGGGCAGTGAAGGGGACGTCGTCCTCTCGCGGACGGG-3'
Protein context (NP_001070818.1, residues 431-451): TARVGGRSLS[Thr441Met]PNALSFGSPT